The following is an entry in ClinVar:

ClinVar aggregate classification (germline): Pathogenic (1 of 4 stars; one submission).

Conditions:
Pyridoxine-dependent epilepsy (EPEO4). Also called: PYRIDOXINE DEPENDENCY WITH SEIZURES; Pyridoxine-Dependent Seizures; EPILEPSY, EARLY-ONSET, 4, VITAMIN B6-DEPENDENT; Pyridoxine-Dependent Epilepsy - ALDH7A1. Identifiers: Orphanet 3006, MedGen C1849508, MONDO:0009945, OMIM 266100. Disease mechanism: loss of function.

Submission:

Victorian Clinical Genetics Services, Murdoch Childrens Research Institute
Classification: Pathogenic for Pyridoxine-dependent epilepsy. Last evaluated: 2022-06-24. Review status: criteria provided, single submitter. Criteria: ACMG Guidelines, 2015. Collection method: clinical testing. Allele origin: germline. Inheritance: Autosomal recessive inheritance. Affected: yes.
Comment: Based on the classification scheme VCGS_Germline_v1.3.4, this variant is classified as Pathogenic. Following criteria are met: 0102 - Loss of function is a known mechanism of disease in this gene and is associated with epilepsy, pyridoxine-dependent (MIM#266100). (I) 0106 - This gene is associated with autosomal recessive disease. (I) 0200 - Variant is predicted to result in a missense amino acid change from tyrosine to serine. (I) 0251 - This variant is heterozygous. (I) 0301 - Variant is absent from gnomAD (both v2 and v3). (SP) 0309 - An alternative amino acid change at the same position has been observed in gnomAD (v2: 3 heterozygotes, 0 homozygotes). (I) 0604 - Variant is not located in an established domain, motif, hotspot or informative constraint region. (I) 0703 - Another missense variants comparable to the one identified in this case has moderate previous evidence for pathogenicity. p.(Tyr354Cys) has been reported in at least three other affected individuals with seizures, two of whom are compound heterozygous with another missense or intragenic copy number variant (PMID: 33868381; ClinVar). (SP) 0807 - This variant has no previous evidence of pathogenicity. (I) 0905 - No published segregation evidence has been identified for this variant. (I) 1005 - Clinically accredited laboratory assay specific to gene product shows abnormal protein function. (SP) 1101 - Very strong and specific phenotype match for this individual. (SP) 1201 - Heterozygous variant detected in trans with a second pathogenic heterozygous variant (NM_001182.4:c.1468delG; p.(Ala490Leufs*28)) in a recessive disease. (I) Legend: (SP) - Supporting pathogenic, (I) - Information, (SB) - Supporting benign

Literature cited by the submitters: PubMed 33868381.

NM_001182.5(ALDH7A1):c.1061A>C (p.Tyr354Ser)

Gene: ALDH7A1 (aldehyde dehydrogenase 7 family member A1; minus strand). Cytogenetic location: 5q23.2.
Variant type: single nucleotide variant.
Coding change: c.1061A>C on transcript NM_001182.5 (MANE Select); coding-DNA position 1061, A replaced by C.
Protein change: p.Tyr354Ser; replaces tyrosine 354 with serine.
Molecular consequence: missense variant. On other transcripts: intron variant (1).
Genome position (GRCh38, 1-based): chr5:126,555,963, T>G on the plus strand (A>C on the coding strand, the complement: ALDH7A1 is on the minus strand). VCF-style: chr5-126555963-T-G. GRCh37 (hg19) VCF-style: chr5-125891655-T-G.
Other names: c.977A>C, p.Tyr326Ser (NM_001201377.2); c.1008+3277A>C (NM_001202404.2); short protein forms Y326S, Y354S.
Identifiers: ClinVar variation 2500759 (VCV002500759.2), dbSNP rs1471249688, ClinGen allele CA360724774.